The following is an entry in ClinVar:

NM_213599.3(ANO5):c.416T>C (p.Val139Ala)

Gene: ANO5 (anoctamin 5; plus strand). Cytogenetic location: 11p14.3.
Variant type: single nucleotide variant.
Coding change: c.416T>C on transcript NM_213599.3 (MANE Select); coding-DNA position 416, T replaced by C.
Protein change: p.Val139Ala; replaces valine 139 with alanine.
Molecular consequence: missense variant.
Genome position (GRCh38, 1-based): chr11:22,227,354, T>C. VCF-style: chr11-22227354-T-C. GRCh37 (hg19) VCF-style: chr11-22248900-T-C.
Other names: c.413T>C, p.Val138Ala (NM_001142649.2); short protein forms V139A, V138A.
Identifiers: ClinVar variation 594912 (VCV000594912.17), dbSNP rs758319655, ClinGen allele CA5922926.

ClinVar aggregate classification (germline): Uncertain significance. Review status: criteria provided, multiple submitters, no conflicts (2 of 4 stars). 4 submissions from 4 submitters: Uncertain significance (4). Last evaluated 2024-09-27.

Conditions:
Autosomal recessive limb-girdle muscular dystrophy type 2L (LGMDR12). Also called: MUSCULAR DYSTROPHY, LIMB-GIRDLE, AUTOSOMAL RECESSIVE 12; Limb-girdle muscular dystrophy, type 2L; Limb-Girdle Muscular Dystrophy R12 Anoctamin-5-Related (LGMD-R12). Identifiers: Orphanet 206549, MedGen C1969785, MONDO:0012652, OMIM 611307.
Gnathodiaphyseal dysplasia (GDD). Also called: GNATHODIAPHYSEAL SCLEROSIS; OSTEOGENESIS IMPERFECTA WITH UNUSUAL SKELETAL LESIONS. Identifiers: Orphanet 53697, MedGen C1833736, MONDO:0008151, OMIM 166260.

Allele frequency attached by ClinVar (database versions not stated): gnomAD exomes below 0.00001; TOPMed below 0.00001; ExAC 0.00001; gnomAD 0.00003.
gnomAD v4.1: 3 of 1,613,236 alleles (0.00019%); highest among the groups gnomAD compares: Non-Finnish European, 0.00025%; no homozygotes.

Submissions (4):

Labcorp Genetics (formerly Invitae), Labcorp
Classification: Uncertain significance for Autosomal recessive limb-girdle muscular dystrophy type 2L; Gnathodiaphyseal dysplasia. Last evaluated: 2024-09-27. Review status: criteria provided, single submitter. Criteria: Invitae Variant Classification Sherloc (09022015). Collection method: clinical testing. Allele origin: germline.
Comment: This sequence change replaces valine, which is neutral and non-polar, with alanine, which is neutral and non-polar, at codon 139 of the ANO5 protein (p.Val139Ala). This variant is present in population databases (rs758319655, gnomAD 0.003%). This missense change has been observed in individual(s) with osteogenesis imperfecta (PMID: 34902613). ClinVar contains an entry for this variant (Variation ID: 594912). Invitae Evidence Modeling of protein sequence and biophysical properties (such as structural, functional, and spatial information, amino acid conservation, physicochemical variation, residue mobility, and thermodynamic stability) indicates that this missense variant is expected to disrupt ANO5 protein function with a positive predictive value of 80%. In summary, the available evidence is currently insufficient to determine the role of this variant in disease. Therefore, it has been classified as a Variant of Uncertain Significance.

Victorian Clinical Genetics Services, Murdoch Childrens Research Institute
Classification: Uncertain significance for Gnathodiaphyseal dysplasia. Last evaluated: 2023-07-16. Review status: criteria provided, single submitter. Criteria: ACMG Guidelines, 2015. Collection method: clinical testing. Allele origin: germline. Inheritance: Autosomal dominant inheritance. Affected: yes.
Comment: Based on the classification scheme VCGS_Germline_v1.3.4, this variant is classified as VUS-3B. Following criteria are met: 0102 - Loss of function is a known mechanism of disease in this gene and is associated with miyoshi muscular dystrophy 3 (MIM#613319) and muscular dystrophy, limb-girdle, autosomal recessive 12, (MIM#611307). The mechanism of disease for missense variants causing dominant gnathodiaphyseal dysplasia (MIM#166260) is unclear (PMID: 32112655). (I) 0108 - This gene is associated with both recessive and dominant disease (OMIM). (I) 0115 - Variants in this gene are known to have variable expressivity (PMID: 22402862; OMIM). (I) 0200 - Variant is predicted to result in a missense amino acid change from valine to alanine. (I) 0251 - This variant is heterozygous. (I) 0304 - Variant is present in gnomAD (v2) <0.01 (2 heterozygotes, 0 homozygotes). (SP) 0309 - An alternative amino acid change at the same position has been observed in gnomAD (v3) (6 heterozygotes, 0 homozygotes). (I) 0502 - Missense variant with conflicting in silico predictions and uninformative conservation. (I) 0600 - Variant is located in the annotated anoct dimer domain (DECIPHER). (I) 0710 - Another missense variant comparable to the one identified in this case has inconclusive previous evidence for pathogenicity. This alternative change (p.(Val139Leu)) has been reported as a VUS (ClinVar). (I) 0809 - Previous evidence of pathogenicity for this variant is inconclusive. This variant has been reported as a VUS (ClinVar). (I) 0905 - No published segregation evidence has been identified for this variant. (I) 1007 - No published functional evidence has been identified for this variant. (I) 1208 - Inheritance information for this variant is not currently available in this individual. (I) Legend: (SP) - Supporting pathogenic, (I) - Information, (SB) - Supporting benign

Revvity Omics, Revvity
Classification: Uncertain significance. Last evaluated: 2020-11-05. Review status: criteria provided, single submitter. Criteria: ACMG Guidelines, 2015. Collection method: clinical testing. Allele origin: germline.

Eurofins Ntd Llc (ga)
Classification: Uncertain significance. Last evaluated: 2017-11-14. Review status: criteria provided, single submitter. Criteria: EGL Classification Definitions 2015. Collection method: clinical testing. Allele origin: germline. Observed: 1 variant allele, 1 heterozygote.

Literature cited by the submitters: PubMed 34902613 (cited by Labcorp Genetics (formerly Invitae), Labcorp); PubMed 22402862 (cited by Victorian Clinical Genetics Services, Murdoch Childrens Research Institute); PubMed 32112655 (cited by Victorian Clinical Genetics Services, Murdoch Childrens Research Institute).